The following is an entry in ClinVar:

NM_000093.5(COL5A1):c.3006+1G>C

Gene: COL5A1 (collagen type V alpha 1 chain; plus strand). Cytogenetic location: 9q34.3.
Variant type: single nucleotide variant.
Coding change: c.3006+1G>C on transcript NM_000093.5 (MANE Select); the canonical splice donor site of the intron after coding-DNA position 3006, G replaced by C.
Molecular consequence: splice donor variant.
Genome position (GRCh38, 1-based): chr9:134,802,008, G>C. VCF-style: chr9-134802008-G-C. GRCh37 (hg19) VCF-style: chr9-137693854-G-C.
Other names: c.3006+1G>C (NM_001278074.1).
Identifiers: ClinVar variation 4725901 (VCV004725901.1).
Genomic context (GRCh38, chr9:134,802,008, plus strand): 5'-TCACAGGGTTTCCAAGGCAAGACCGGCCCTCCAGGCCCCCCCGGCGTGGTCGGCCCTCAG[G>C]TAAGCTCCAGCCTTCCCAGATTCCATGGGTCACTCGGTGTCACTTGCCCACAGGGAAGAG-3'

ClinVar aggregate classification (germline): Likely pathogenic (1 of 4 stars; one submission).

Conditions:
Ehlers-Danlos syndrome, classic type, 1 (EDSCL1). Also called: EHLERS-DANLOS SYNDROME, GRAVIS TYPE; EHLERS-DANLOS SYNDROME, SEVERE CLASSIC TYPE; Ehlers-Danlos syndrome, type 1; Ehlers-Danlos Syndrome, Classic Type, COL5A1-Related; EDS I. Identifiers: MedGen C0268335, MONDO:0019567, OMIM 130000.

Submission:

Labcorp Genetics (formerly Invitae), Labcorp
Classification: Likely pathogenic for Ehlers-Danlos syndrome, classic type, 1. Last evaluated: 2025-08-24. Review status: criteria provided, single submitter. Criteria: Invitae Variant Classification Sherloc (09022015). Collection method: clinical testing. Allele origin: germline.
Comment: This sequence change affects a donor splice site in intron 38 of the COL5A1 gene. It is expected to disrupt RNA splicing. Variants that disrupt the donor or acceptor splice site typically lead to a loss of protein function (PMID: 16199547), and loss-of-function variants in COL5A1 are known to be pathogenic (PMID: 23587214). This variant is not present in population databases (gnomAD no frequency). This variant has not been reported in the literature in individuals affected with COL5A1-related conditions. Algorithms developed to predict the effect of sequence changes on RNA splicing suggest that this variant may disrupt the consensus splice site. In summary, the currently available evidence indicates that the variant is pathogenic, but additional data are needed to prove that conclusively. Therefore, this variant has been classified as Likely Pathogenic.

Literature cited by the submitters: PubMed 16199547; PubMed 23587214.